The following is an entry in ClinVar:

NM_000443.4(ABCB4):c.451C>T (p.Gln151Ter)

Gene: ABCB4 (ATP binding cassette subfamily B member 4; minus strand). Cytogenetic location: 7q21.12.
Variant type: single nucleotide variant.
Coding change: c.451C>T on transcript NM_000443.4 (MANE Select); coding-DNA position 451, C replaced by T.
Protein change: p.Gln151Ter; replaces glutamine 151 with a stop codon.
Molecular consequence: nonsense.
Genome position (GRCh38, 1-based): chr7:87,453,029, G>A on the plus strand (C>T on the coding strand, the complement: ABCB4 is on the minus strand). VCF-style: chr7-87453029-G-A. GRCh37 (hg19) VCF-style: chr7-87082345-G-A.
Other names: c.451C>T, p.Gln151Ter (NM_018849.3, NM_018850.3); short protein forms Q151*.
Identifiers: ClinVar variation 4985844 (VCV004985844.1).

ClinVar aggregate classification (germline): Likely pathogenic (1 of 4 stars; one submission).

Conditions:
ABCB4-related disorder. Also called: ABCB4-related disorders; ABCB4-related condition.

Submission:

PreventionGenetics, part of Exact Sciences
Classification: Likely pathogenic for ABCB4-related condition. Last evaluated: 2026-05-15. Review status: criteria provided, single submitter. Criteria: ACMG Guidelines, 2015. Collection method: clinical testing. Allele origin: germline.
Comment: The ABCB4 c.451C>T variant is predicted to result in premature protein termination (p.Gln151*). To our knowledge, this variant has not been reported in the literature or in a large population database (gnomAD), indicating this variant is rare. Nonsense variants in ABCB4 are expected to be pathogenic. This variant is interpreted as likely pathogenic.